The following is an entry in ClinVar:

ClinVar aggregate classification (germline): Pathogenic (1 of 4 stars; one submission).

Submission:

Labcorp Genetics (formerly Invitae), Labcorp
Classification: Pathogenic. Last evaluated: 2022-03-18. Review status: criteria provided, single submitter. Criteria: Invitae Variant Classification Sherloc (09022015). Collection method: clinical testing. Allele origin: germline.
Comment: This sequence change creates a premature translational stop signal (p.Gln1192Profs*88) in the GREB1L gene. It is expected to result in an absent or disrupted protein product. Loss-of-function variants in GREB1L are known to be pathogenic (PMID: 29100090, 29100091). This variant is not present in population databases (gnomAD no frequency). This variant has not been reported in the literature in individuals affected with GREB1L-related conditions. For these reasons, this variant has been classified as Pathogenic.

Literature cited by the submitters: PubMed 29100090; PubMed 29100091.

NM_001142966.3(GREB1L):c.3574dup (p.Gln1192fs)

Gene: GREB1L (GREB1 like retinoic acid receptor coactivator; plus strand). Cytogenetic location: 18q11.1.
Variant type: Duplication.
Coding change: c.3574dup on transcript NM_001142966.3 (MANE Select); coding-DNA position 3574, one base duplicated (C; older notation c.3574dupC).
Protein change: p.Gln1192fs; shifts the reading frame from glutamine 1192.
Molecular consequence: frameshift variant.
Genome position (GRCh38, 1-based): chr18:21,499,911, C duplicated; the last of 5 consecutive C bases (chr18:21,499,907-21,499,911); duplicating any one gives the same sequence. VCF-style (leftmost placement, unchanged base first): chr18-21499906-G-GC. GRCh37 (hg19) VCF-style: chr18-19079867-G-GC.
Other names: c.3703dup, p.Gln1235Profs (NM_001410867.1); c.3247dup, p.Gln1083Profs (NM_001410868.1); short protein forms Q1192fs.
Identifiers: ClinVar variation 2113840 (VCV002113840.4), dbSNP rs2036706405, ClinGen allele CA988225593.